The following is an entry in ClinVar:

NM_001029883.3(PCARE):c.773G>T (p.Arg258Ile)

Gene: PCARE (photoreceptor cilium actin regulator; minus strand). Cytogenetic location: 2p23.2.
Variant type: single nucleotide variant.
Coding change: c.773G>T on transcript NM_001029883.3 (MANE Select); coding-DNA position 773, G replaced by T.
Protein change: p.Arg258Ile; replaces arginine 258 with isoleucine.
Molecular consequence: missense variant.
Genome position (GRCh38, 1-based): chr2:29,073,489, C>A on the plus strand (G>T on the coding strand, the complement: PCARE is on the minus strand). VCF-style: chr2-29073489-C-A. GRCh37 (hg19) VCF-style: chr2-29296355-C-A.
Other names: short protein forms R258I.
Identifiers: ClinVar variation 780343 (VCV000780343.15), dbSNP rs116156338, ClinGen allele CA1592569.

ClinVar aggregate classification (germline): Benign. Review status: criteria provided, multiple submitters, no conflicts (2 of 4 stars). 3 submissions from 3 submitters: Benign (3). Last evaluated 2026-02-01.

Conditions:
Retinitis pigmentosa (RP). Identifiers: Orphanet 791, MedGen C0035334, MeSH D012174, MONDO:0019200, OMIM 268000. Inheritance: Autosomal dominant, autosomal recessive and X linked inheritance.

Allele frequency attached by ClinVar (database versions not stated): gnomAD exomes 0.00233; gnomAD 0.00898; 1000 Genomes Project 0.00919; 1000 Genomes Project 30x 0.00921; ESP Exome Variant Server 0.00942; TOPMed 0.01110.
gnomAD v4.1: 2,954 of 1,614,164 alleles (0.18%); highest among the groups gnomAD compares: African/African-American, 3.3%; 41 homozygotes.

Submissions (3):

Labcorp Genetics (formerly Invitae), Labcorp
Classification: Benign. Last evaluated: 2026-02-01. Review status: criteria provided, single submitter. Criteria: Invitae Variant Classification Sherloc (09022015). Collection method: clinical testing. Allele origin: germline.

Illumina Laboratory Services, Illumina
Classification: Benign for Retinitis pigmentosa. Last evaluated: 2017-04-28. Review status: criteria provided, single submitter. Criteria: ICSL Variant Classification Criteria 13 December 2019. Collection method: clinical testing. Allele origin: germline.
Comment: This variant was observed as part of a predisposition screen in an ostensibly healthy population. A literature search was performed for the gene, cDNA change, and amino acid change (where applicable). Publications were found based on this search. The evidence from the literature, in combination with allele frequency data from public databases where available, was sufficient to rule this variant out of causing disease. Therefore, this variant is classified as benign.

Breakthrough Genomics
Classification: Benign. Review status: criteria provided, single submitter. Criteria: ACMG Guidelines, 2015. Collection method: not provided. Allele origin: germline. Inheritance: Unknown mechanism. Affected: yes.

Literature cited by the submitters: PubMed 21412943 (cited by Illumina Laboratory Services, Illumina).